The following is an entry in ClinVar:

NM_002528.7(NTHL1):c.645C>G (p.His215Gln)

Gene: NTHL1 (nth like DNA glycosylase 1; minus strand). Cytogenetic location: 16p13.3.
Variant type: single nucleotide variant.
Coding change: c.645C>G on transcript NM_002528.7 (MANE Select); coding-DNA position 645, C replaced by G.
Protein change: p.His215Gln; replaces histidine 215 with glutamine.
Molecular consequence: missense variant.
Genome position (GRCh38, 1-based): chr16:2,043,607, G>C on the plus strand (C>G on the coding strand, the complement: NTHL1 is on the minus strand). VCF-style: chr16-2043607-G-C. GRCh37 (hg19) VCF-style: chr16-2093608-G-C.
Other names: c.474C>G, p.His158Gln (NM_001318193.2); c.315C>G, p.His105Gln (NM_001318194.2); short protein forms H105Q, H215Q, H158Q.
Identifiers: ClinVar variation 1491857 (VCV001491857.6), dbSNP rs2150941217, ClinGen allele CA394291169.

ClinVar aggregate classification (germline): Uncertain significance (1 of 4 stars; one submission).

Submission:

Labcorp Genetics (formerly Invitae), Labcorp
Classification: Uncertain significance. Last evaluated: 2021-09-20. Review status: criteria provided, single submitter. Criteria: Invitae Variant Classification Sherloc (09022015). Collection method: clinical testing. Allele origin: germline.
Comment: This variant is not present in population databases (ExAC no frequency). This sequence change replaces histidine with glutamine at codon 223 of the NTHL1 protein (p.His223Gln). The histidine residue is highly conserved and there is a small physicochemical difference between histidine and glutamine. This variant has not been reported in the literature in individuals affected with NTHL1-related conditions. In summary, the available evidence is currently insufficient to determine the role of this variant in disease. Therefore, it has been classified as a Variant of Uncertain Significance. Algorithms developed to predict the effect of missense changes on protein structure and function are either unavailable or do not agree on the potential impact of this missense change (SIFT: "Not Available"; PolyPhen-2: "Benign"; Align-GVGD: "Not Available").